The following is an entry in ClinVar:

NM_006941.4(SOX10):c.1355C>T (p.Pro452Leu)

Genes: POLR2F (RNA polymerase II, I and III subunit F; plus strand), SOX10 (SRY-box transcription factor 10; minus strand). Cytogenetic location: 22q13.1.
Variant type: single nucleotide variant.
Coding change: c.1355C>T on transcript NM_006941.4 (MANE Select); coding-DNA position 1355, C replaced by T.
Protein change: p.Pro452Leu; replaces proline 452 with leucine.
Molecular consequence: missense variant. On other transcripts: intron variant (3).
Genome position (GRCh38, 1-based): chr22:37,973,541, G>A on the plus strand (C>T on the coding strand, the complement: SOX10 is on the minus strand). VCF-style: chr22-37973541-G-A. GRCh37 (hg19) VCF-style: chr22-38369548-G-A.
Other names: c.*38+1231G>A (NM_001363825.1); c.293+6371G>A (NM_001301130.2, NM_001301131.2); short protein forms P452L.
Identifiers: ClinVar variation 4755848 (VCV004755848.1).

ClinVar aggregate classification (germline): Uncertain significance (1 of 4 stars; one submission).

Submission:

GeneDx
Classification: Uncertain significance. Last evaluated: 2025-08-09. Review status: criteria provided, single submitter. Criteria: GeneDx Variant Classification Process June 2021. Collection method: clinical testing. Allele origin: germline. Affected: yes.
Comment: Not observed at significant frequency in large population cohorts (gnomAD); In silico analysis supports that this missense variant has a deleterious effect on protein structure/function; Has not been previously published as pathogenic or benign to our knowledge